The following is an entry in ClinVar:

NM_005811.5(GDF11):c.748C>T (p.Gln250Ter)

Gene: GDF11 (growth differentiation factor 11; plus strand). Cytogenetic location: 12q13.2.
Variant type: single nucleotide variant.
Coding change: c.748C>T on transcript NM_005811.5 (MANE Select); coding-DNA position 748, C replaced by T.
Protein change: p.Gln250Ter; replaces glutamine 250 with a stop codon.
Molecular consequence: nonsense.
Genome position (GRCh38, 1-based): chr12:55,748,888, C>T. VCF-style: chr12-55748888-C-T. GRCh37 (hg19) VCF-style: chr12-56142672-C-T.
Other names: short protein forms Q250*.
Identifiers: ClinVar variation 3360072 (VCV003360072.1).
Genomic context (GRCh38, chr12:55,748,888, plus strand): 5'-TCACGCTCAGGCCATTGGCAGAGCATCGACTTCAAGCAAGTGCTACACAGCTGGTTCCGC[C>T]AGCCACAGAGCAACTGGGGCATCGAGATCAACGCCTTTGATCCCAGTGGCACAGACCTGG-3'

ClinVar aggregate classification (germline): Uncertain significance (1 of 4 stars; one submission).

Submission:

GeneDx
Classification: Uncertain significance. Last evaluated: 2023-06-16. Review status: criteria provided, single submitter. Criteria: GeneDx Variant Classification Process June 2021. Collection method: clinical testing. Allele origin: germline. Affected: yes.
Comment: Not observed at significant frequency in large population cohorts (gnomAD); Nonsense variant predicted to result in protein truncation or nonsense mediated decay in a gene or region of a gene for which loss of function is not a well-established mechanism of disease; Has not been previously published as pathogenic or benign to our knowledge; Variants in candidate genes are classified as variants of uncertain significance in accordance with ACMG guidelines (Richards et al., 2015)